The following is an entry in ClinVar:

ClinVar aggregate classification (germline): Uncertain significance (1 of 4 stars; one submission).

Submission:

Labcorp Genetics (formerly Invitae), Labcorp
Classification: Uncertain significance. Last evaluated: 2022-08-03. Review status: criteria provided, single submitter. Criteria: Invitae Variant Classification Sherloc (09022015). Collection method: clinical testing. Allele origin: germline.
Comment: This sequence change replaces glycine, which is neutral and non-polar, with valine, which is neutral and non-polar, at codon 818 of the NTRK2 protein (p.Gly818Val). This variant is not present in population databases (gnomAD no frequency). This variant has not been reported in the literature in individuals affected with NTRK2-related conditions. In summary, the available evidence is currently insufficient to determine the role of this variant in disease. Therefore, it has been classified as a Variant of Uncertain Significance. Algorithms developed to predict the effect of missense changes on protein structure and function (SIFT, PolyPhen-2, Align-GVGD) all suggest that this variant is likely to be tolerated.

NM_006180.6(NTRK2):c.2453G>T (p.Gly818Val)

Gene: NTRK2 (neurotrophic receptor tyrosine kinase 2; plus strand). Cytogenetic location: 9q21.33.
Variant type: single nucleotide variant.
Coding change: c.2453G>T on transcript NM_006180.6 (MANE Select); coding-DNA position 2453, G replaced by T.
Protein change: p.Gly818Val; replaces glycine 818 with valine.
Molecular consequence: missense variant.
Genome position (GRCh38, 1-based): chr9:85,021,373, G>T. VCF-style: chr9-85021373-G-T. GRCh37 (hg19) VCF-style: chr9-87636288-G-T.
Other names: c.2405G>T, p.Gly802Val (NM_001018064.3, NM_001369532.1, NM_001369533.1); c.2369G>T, p.Gly790Val (NM_001369534.1); c.1937G>T, p.Gly646Val (NM_001369535.1); c.1985G>T, p.Gly662Val (NM_001369536.1); c.2453G>T, p.Gly818Val (NM_001381928.1); short protein forms G646V, G818V, G802V, G662V, G790V.
Identifiers: ClinVar variation 2007727 (VCV002007727.4), dbSNP rs2118014512, ClinGen allele CA374009388.